The following is an entry in ClinVar:

ClinVar aggregate classification (germline): Uncertain significance. Review status: criteria provided, multiple submitters, no conflicts (2 of 4 stars). 3 submissions from 3 submitters: Uncertain significance (3). Last evaluated 2025-09-09.

Conditions:
Familial thoracic aortic aneurysm and aortic dissection (TAAD). Also called: Thoracic aortic aneurysms and dissections. Identifiers: Orphanet 91387, MedGen C4707243, MONDO:0019625.
Marfan syndrome (MFS). Also called: Marfan syndrome type 1; Marfan syndrome, classic; Marfan's syndrome; FBN1-Related Marfan Syndrome; MARFAN SYNDROME, TYPE I. Identifiers: Orphanet 284963, Orphanet 558, MedGen C0024796, MONDO:0007947, OMIM 154700.

Allele frequency attached by ClinVar (database versions not stated): gnomAD exomes 0.00001 and below 0.00001; TOPMed 0.00001; ExAC 0.00001.
gnomAD v4.1: 7 of 1,614,126 alleles (0.00043%); highest among the groups gnomAD compares: Non-Finnish European, 0.00059%; no homozygotes.

Submissions (3):

Color Diagnostics, LLC DBA Color Health
Classification: Uncertain significance for Familial thoracic aortic aneurysm and aortic dissection. Last evaluated: 2025-09-09. Review status: criteria provided, single submitter. Criteria: ACMG Guidelines, 2015. Collection method: clinical testing. Allele origin: germline.
Comment: This variant causes a G to A nucleotide substitution at the +6 position of intron 2 of the FBN1 gene. To our knowledge, functional studies have not been reported for this variant. This variant has not been reported in individuals affected with FBN1-related disorders in the literature. This variant has been identified in 2/251336 chromosomes in the general population by the Genome Aggregation Database (gnomAD). The available evidence is insufficient to determine the role of this variant in disease conclusively. Therefore, this variant is classified as a Variant of Uncertain Significance.

Women's Health and Genetics/Laboratory Corporation of America, LabCorp
Classification: Uncertain significance. Last evaluated: 2025-09-08. Review status: criteria provided, single submitter. Criteria: LabCorp Variant Classification Summary - May 2015. Collection method: clinical testing. Allele origin: germline.
Comment: Variant summary: FBN1 c.164+6G>A alters a non-conserved nucleotide located close to a canonical splice site and therefore could affect mRNA splicing, leading to a significantly altered protein sequence. Consensus agreement among computation tools predict no significant impact on normal splicing. However, these predictions have yet to be confirmed by functional studies. The variant allele was found at a frequency of 8e-06 in 251336 control chromosomes. The available data on variant occurrences in the general population are insufficient to allow any conclusion about variant significance. To our knowledge, no occurrence of c.164+6G>A in individuals affected with FBN1-related conditions and no experimental evidence demonstrating its impact on protein function have been reported. ClinVar contains an entry for this variant (Variation ID: 527233). Based on the evidence outlined above, the variant was classified as uncertain significance.

Labcorp Genetics (formerly Invitae), Labcorp
Classification: Uncertain significance for Marfan syndrome; Familial thoracic aortic aneurysm and aortic dissection. Last evaluated: 2021-09-01. Review status: criteria provided, single submitter. Criteria: Invitae Variant Classification Sherloc (09022015). Collection method: clinical testing. Allele origin: germline.
Comment: This sequence change falls in intron 2 of the FBN1 gene. It does not directly change the encoded amino acid sequence of the FBN1 protein. It affects a nucleotide within the consensus splice site of the intron. This variant is present in population databases (rs760968439, ExAC 0.001%). This variant has not been reported in the literature in individuals affected with FBN1-related conditions. ClinVar contains an entry for this variant (Variation ID: 527233). Variants that disrupt the consensus splice site are a relatively common cause of aberrant splicing (PMID: 17576681, 9536098). Algorithms developed to predict the effect of sequence changes on RNA splicing suggest that this variant is not likely to affect RNA splicing. In summary, the available evidence is currently insufficient to determine the role of this variant in disease. Therefore, it has been classified as a Variant of Uncertain Significance.

Literature cited by the submitters: PubMed 17576681 (cited by Labcorp Genetics (formerly Invitae), Labcorp); PubMed 9536098 (cited by Labcorp Genetics (formerly Invitae), Labcorp).

NM_000138.5(FBN1):c.164+6G>A

Gene: FBN1 (fibrillin 1; minus strand). Cytogenetic location: 15q21.1.
Variant type: single nucleotide variant.
Coding change: c.164+6G>A on transcript NM_000138.5 (MANE Select); 6 bases into the intron after coding-DNA position 164, G replaced by A.
Molecular consequence: intron variant.
Genome position (GRCh38, 1-based): chr15:48,644,600, C>T on the plus strand (G>A on the coding strand, the complement: FBN1 is on the minus strand). VCF-style: chr15-48644600-C-T. GRCh37 (hg19) VCF-style: chr15-48936797-C-T.
Identifiers: ClinVar variation 527233 (VCV000527233.11), dbSNP rs760968439, ClinGen allele CA045435.